The following is an entry in ClinVar:

ClinVar aggregate classification (germline): Conflicting classifications of pathogenicity. Review status: criteria provided, conflicting classifications (1 of 4 stars). 2 submissions from 2 submitters: Uncertain significance (1); Likely benign (1). Last evaluated 2025-08-08.

Conditions:
Syndromic intellectual disability. Also called: Intellectual disability syndrome. Identifiers: Orphanet 183763, MedGen C5680525, MONDO:0000508.
Inborn genetic diseases. Identifiers: MedGen C0950123, MeSH D030342.
Neurodevelopmental disorder with hypotonia, stereotypic hand movements, and impaired language. Also called: Intellectual disability, autosomal dominant 20. Identifiers: Orphanet 228384, Orphanet 664410, MedGen C3150700, MONDO:0013266, OMIM 613443.

Allele frequency attached by ClinVar (database versions not stated): gnomAD exomes 0.00001; TOPMed 0.00001; gnomAD 0.00002.
gnomAD v4.1: 7 of 1,529,130 alleles (0.00046%); highest among the groups gnomAD compares: Admixed American, 0.002%; no homozygotes.

Submissions (2):

Ambry Genetics
Classification: Uncertain significance for Inborn genetic diseases. Last evaluated: 2025-08-08. Review status: criteria provided, single submitter. Criteria: Ambry Variant Classification Scheme 2023. Collection method: clinical testing. Allele origin: germline.

Labcorp Genetics (formerly Invitae), Labcorp
Classification: Likely benign for Neurodevelopmental disorder with hypotonia, stereotypic hand movements, and impaired language. Last evaluated: 2022-03-10. Review status: criteria provided, single submitter. Criteria: Invitae Variant Classification Sherloc (09022015). Collection method: clinical testing. Allele origin: germline.

NM_002397.5(MEF2C):c.994T>C (p.Ser332Pro)

Gene: MEF2C (myocyte enhancer factor 2C; minus strand). Cytogenetic location: 5q14.3.
Variant type: single nucleotide variant.
Coding change: c.994T>C on transcript NM_002397.5 (MANE Select); coding-DNA position 994, T replaced by C.
Protein change: p.Ser332Pro; replaces serine 332 with proline.
Molecular consequence: missense variant.
Genome position (GRCh38, 1-based): chr5:88,728,599, A>G on the plus strand (T>C on the coding strand, the complement: MEF2C is on the minus strand). VCF-style: chr5-88728599-A-G. GRCh37 (hg19) VCF-style: chr5-88024416-A-G.
Other names: c.964T>C, p.Ser322Pro (NM_001131005.2, NM_001364343.2, NM_001364352.2); c.1024T>C, p.Ser342Pro (NM_001193347.1, NM_001364338.2); c.826T>C, p.Ser276Pro (NM_001193348.1); c.850T>C, p.Ser284Pro (NM_001193349.3, NM_001364332.2, NM_001364344.2 and 2 more transcripts); c.994T>C, p.Ser332Pro (NM_001193350.2, NM_001363581.2, NM_001364329.2 and 9 more transcripts); c.970T>C, p.Ser324Pro (NM_001308002.3, NM_001364333.2, NM_001364339.2 and 6 more transcripts); c.616T>C, p.Ser206Pro (NM_001364353.2, NM_001364356.2); c.544T>C, p.Ser182Pro (NM_001364357.2); short protein forms S284P, S322P, S182P, S324P, S206P, S276P, S332P, S342P.
Identifiers: ClinVar variation 953737 (VCV000953737.12), dbSNP rs200887424, ClinGen allele CA122608613.